The following is an entry in ClinVar:

NM_001374736.1(DST):c.13013T>G (p.Ile4338Ser)

Gene: DST (dystonin; minus strand). Cytogenetic location: 6p12.1.
Variant type: single nucleotide variant.
Coding change: c.13013T>G on transcript NM_001374736.1 (MANE Select); coding-DNA position 13013, T replaced by G.
Protein change: p.Ile4338Ser; replaces isoleucine 4338 with serine.
Molecular consequence: missense variant.
Genome position (GRCh38, 1-based): chr6:56,578,828, A>C on the plus strand (T>G on the coding strand, the complement: DST is on the minus strand). VCF-style: chr6-56578828-A-C. GRCh37 (hg19) VCF-style: chr6-56443626-A-C.
Other names: c.6656T>G, p.Ile2219Ser (NM_001144769.5); c.6242T>G, p.Ile2081Ser (NM_001144770.2); c.13013T>G, p.Ile4338Ser (NM_001374722.1); c.12380T>G, p.Ile4127Ser (NM_001374729.1); c.6122T>G, p.Ile2041Ser (NM_001374730.1, NM_001386100.1, NM_183380.4); c.13040T>G, p.Ile4347Ser (NM_001374734.1); c.5144T>G, p.Ile1715Ser (NM_015548.5); short protein forms I1715S, I4347S, I2041S, I2081S, I2219S, I4127S, I4338S.
Identifiers: ClinVar variation 2002832 (VCV002002832.4), dbSNP rs775086354, ClinGen allele CA364520834.

ClinVar aggregate classification (germline): Uncertain significance (1 of 4 stars; one submission).

Conditions:
Hereditary sensory and autonomic neuropathy type 6. Also called: HSAN VI; Neuropathy, hereditary sensory and autonomic, type VI. Identifiers: Orphanet 314381, MedGen C3539003, MONDO:0013839, OMIM 614653.
Epidermolysis bullosa simplex 3, localized or generalized intermediate, with BP230 deficiency (EBS3). Also called: Epidermolysis bullosa simplex due to BP230 deficiency; Epidermolysis bullosa simplex, autosomal recessive 2. Identifiers: Orphanet 412181, MedGen C3809470, MONDO:0014180, OMIM 615425.

Submission:

Labcorp Genetics (formerly Invitae), Labcorp
Classification: Uncertain significance for Epidermolysis bullosa simplex 3, localized or generalized intermediate, with BP230 deficiency; Hereditary sensory and autonomic neuropathy type 6. Last evaluated: 2022-06-30. Review status: criteria provided, single submitter. Criteria: Invitae Variant Classification Sherloc (09022015). Collection method: clinical testing. Allele origin: germline.
Comment: In summary, the available evidence is currently insufficient to determine the role of this variant in disease. Therefore, it has been classified as a Variant of Uncertain Significance. Experimental studies and prediction algorithms are not available or were not evaluated, and the functional significance of this variant is currently unknown. This variant has not been reported in the literature in individuals affected with DST-related conditions. This variant is not present in population databases (gnomAD no frequency). This sequence change replaces isoleucine, which is neutral and non-polar, with serine, which is neutral and polar, at codon 1715 of the DST protein (p.Ile1715Ser). The DST gene has multiple clinically relevant transcripts. This variant occurs in alternate transcript NM_015548.4, and corresponds to NM_001723.5:c.*36689T>G in the primary transcript.